The following is an entry in ClinVar:

NM_004168.4(SDHA):c.1027G>T (p.Val343Leu)

Gene: SDHA (succinate dehydrogenase complex flavoprotein subunit A; plus strand). Cytogenetic location: 5p15.33.
Variant type: single nucleotide variant.
Coding change: c.1027G>T on transcript NM_004168.4 (MANE Select); coding-DNA position 1027, G replaced by T.
Protein change: p.Val343Leu; replaces valine 343 with leucine.
Molecular consequence: missense variant.
Genome position (GRCh38, 1-based): chr5:233,608, G>T. VCF-style: chr5-233608-G-T. GRCh37 (hg19) VCF-style: chr5-233723-G-T.
Other names: c.883G>T, p.Val295Leu (NM_001294332.2); c.1027G>T, p.Val343Leu (NM_001330758.2); short protein forms V295L, V343L.
Identifiers: ClinVar variation 2953410 (VCV002953410.3), dbSNP rs2126578052, ClinGen allele CA359012914.

ClinVar aggregate classification (germline): Uncertain significance (1 of 4 stars; one submission).

Conditions:
Mitochondrial complex II deficiency, nuclear type 1. Also called: SUCCINATE CoQ REDUCTASE DEFICIENCY. Identifiers: Orphanet 3208, MedGen C5700310, MONDO:0100294, OMIM 252011.
Pheochromocytoma/paraganglioma syndrome 5. Also called: Paragangliomas 5; SDHA-Related Hereditary Paraganglioma-Pheochromocytoma Syndrome. Identifiers: Orphanet 29072, MedGen C3279992, MONDO:0013602, OMIM 614165.

Submission:

Labcorp Genetics (formerly Invitae), Labcorp
Classification: Uncertain significance for Pheochromocytoma/paraganglioma syndrome 5; Mitochondrial complex II deficiency, nuclear type 1. Last evaluated: 2023-10-29. Review status: criteria provided, single submitter. Criteria: Invitae Variant Classification Sherloc (09022015). Collection method: clinical testing. Allele origin: germline.
Comment: This sequence change replaces valine, which is neutral and non-polar, with leucine, which is neutral and non-polar, at codon 343 of the SDHA protein (p.Val343Leu). This variant is not present in population databases (gnomAD no frequency). This variant has not been reported in the literature in individuals affected with SDHA-related conditions. Advanced modeling of protein sequence and biophysical properties (such as structural, functional, and spatial information, amino acid conservation, physicochemical variation, residue mobility, and thermodynamic stability) performed at Invitae indicates that this missense variant is not expected to disrupt SDHA protein function with a negative predictive value of 95%. In summary, the available evidence is currently insufficient to determine the role of this variant in disease. Therefore, it has been classified as a Variant of Uncertain Significance.